The following is an entry in ClinVar:

NM_006005.3(WFS1):c.2555C>T (p.Ala852Val)

Gene: WFS1 (wolframin ER transmembrane glycoprotein; plus strand). Cytogenetic location: 4p16.1.
Variant type: single nucleotide variant.
Coding change: c.2555C>T on transcript NM_006005.3 (MANE Select); coding-DNA position 2555, C replaced by T.
Protein change: p.Ala852Val; replaces alanine 852 with valine.
Molecular consequence: missense variant.
Genome position (GRCh38, 1-based): chr4:6,302,350, C>T. VCF-style: chr4-6302350-C-T. GRCh37 (hg19) VCF-style: chr4-6304077-C-T.
Other names: c.2555C>T, p.Ala852Val (NM_001145853.1); short protein forms A852V.
Identifiers: ClinVar variation 3688080 (VCV003688080.2).

ClinVar aggregate classification (germline): Uncertain significance (1 of 4 stars; one submission).

gnomAD v4.1: 4 of 1,612,932 alleles (0.00025%); highest among the groups gnomAD compares: Admixed American, 0.0017%; no homozygotes.

Submission:

Labcorp Genetics (formerly Invitae), Labcorp
Classification: Uncertain significance. Last evaluated: 2024-02-08. Review status: criteria provided, single submitter. Criteria: Invitae Variant Classification Sherloc (09022015). Collection method: clinical testing. Allele origin: germline.
Comment: This sequence change replaces alanine, which is neutral and non-polar, with valine, which is neutral and non-polar, at codon 852 of the WFS1 protein (p.Ala852Val). This variant is present in population databases (rs778126685, gnomAD 0.01%). This variant has not been reported in the literature in individuals affected with WFS1-related conditions. Advanced modeling of protein sequence and biophysical properties (such as structural, functional, and spatial information, amino acid conservation, physicochemical variation, residue mobility, and thermodynamic stability) performed at Invitae indicates that this missense variant is not expected to disrupt WFS1 protein function with a negative predictive value of 95%. In summary, the available evidence is currently insufficient to determine the role of this variant in disease. Therefore, it has been classified as a Variant of Uncertain Significance.